The following is an entry in ClinVar:

ClinVar aggregate classification (germline): Uncertain significance (1 of 4 stars; one submission).

Submission:

CeGaT Center for Human Genetics Tuebingen
Classification: Uncertain significance. Last evaluated: 2026-02-01. Review status: criteria provided, single submitter. Criteria: CeGaT Center For Human Genetics Tuebingen Variant Classification Criteria Version 2. Collection method: clinical testing. Allele origin: germline. Affected: yes. Observed: 1 variant allele.
Comment: TRIM24: PM2, BP4

NM_015905.3(TRIM24):c.2382G>T (p.Gln794His)

Gene: TRIM24 (tripartite motif containing 24; plus strand). Cytogenetic location: 7q34.
Variant type: single nucleotide variant.
Coding change: c.2382G>T on transcript NM_015905.3 (MANE Select); coding-DNA position 2382, G replaced by T.
Protein change: p.Gln794His; replaces glutamine 794 with histidine.
Molecular consequence: missense variant.
Genome position (GRCh38, 1-based): chr7:138,579,329, G>T. VCF-style: chr7-138579329-G-T. GRCh37 (hg19) VCF-style: chr7-138264074-G-T.
Other names: c.2280G>T, p.Gln760His (NM_003852.4); short protein forms Q760H, Q794H.
Identifiers: ClinVar variation 4821266 (VCV004821266.4).